The following is an entry in ClinVar:

NM_001942.4(DSG1):c.1406-4A>G

Gene: DSG1 (desmoglein 1; plus strand). Cytogenetic location: 18q12.1.
Variant type: single nucleotide variant.
Coding change: c.1406-4A>G on transcript NM_001942.4 (MANE Select); 4 bases into the intron before coding-DNA position 1406, A replaced by G.
Molecular consequence: intron variant.
Genome position (GRCh38, 1-based): chr18:31,339,740, A>G. VCF-style: chr18-31339740-A-G. GRCh37 (hg19) VCF-style: chr18-28919703-A-G.
Other names: c.1406-4A>G (NM_001942.3).
Identifiers: ClinVar variation 1556072 (VCV001556072.11), dbSNP rs368567757, ClinGen allele CA8926087.
Genomic context (GRCh38, chr18:31,339,740, plus strand): 5'-TGTTGTCCAACCATTCCTACACTAAATGTCTAAAATATTTCTTCCATTTTGAACGTTATT[A>G]CAGATAATCTTCAAAGAACTTGCACTGGTACAATTAATATTAACATTCAAAGTTTTGGTA-3'

ClinVar aggregate classification (germline): Benign/Likely benign. Review status: criteria provided, multiple submitters, no conflicts (2 of 4 stars). 3 submissions from 3 submitters: Benign (1); Likely benign (1). 1 of the submissions does not count toward it. Last evaluated 2026-01-26.

Conditions:
DSG1-related disorder. Also called: DSG1-related condition.

Allele frequency attached by ClinVar (database versions not stated): gnomAD exomes 0.00010 and 0.00032; ExAC 0.00033; 1000 Genomes Project 0.00100; gnomAD 0.00103 and 0.00112; 1000 Genomes Project 30x 0.00109; TOPMed 0.00111; ESP Exome Variant Server 0.00139.
gnomAD v4.1: 310 of 1,602,598 alleles (0.019%); highest among the groups gnomAD compares: African/African-American, 0.35%; no homozygotes.

Submissions (3):

Labcorp Genetics (formerly Invitae), Labcorp
Classification: Benign. Last evaluated: 2026-01-26. Review status: criteria provided, single submitter. Criteria: Invitae Variant Classification Sherloc (09022015). Collection method: clinical testing. Allele origin: germline.

Blueprint Genetics
Classification: Likely benign. Last evaluated: 2024-02-09. Review status: criteria provided, single submitter. Criteria: ACMG Guidelines, 2015. Collection method: clinical testing. Allele origin: germline.

PreventionGenetics, part of Exact Sciences
Classification: Likely benign for DSG1-related condition. Last evaluated: 2021-02-15. Review status: no assertion criteria provided. Collection method: clinical testing. Allele origin: germline. Not counted in ClinVar's aggregate classification.
Comment: This variant is classified as likely benign based on ACMG/AMP sequence variant interpretation guidelines (Richards et al. 2015 PMID: 25741868, with internal and published modifications).